The following is an entry in ClinVar:

ClinVar aggregate classification (germline): Uncertain significance. Review status: criteria provided, multiple submitters, no conflicts (2 of 4 stars). 4 submissions from 4 submitters: Uncertain significance (4). Last evaluated 2025-08-18.

Conditions:
Hereditary nonpolyposis colorectal neoplasms. Identifiers: MedGen C0009405, MeSH D003123.
Hereditary cancer-predisposing syndrome. Also called: Hereditary Cancer Syndrome; Hereditary neoplastic syndrome; Tumor predisposition; Neoplastic Syndromes, Hereditary. Identifiers: Orphanet 140162, MedGen C0027672, MeSH D009386, MONDO:0015356.

Allele frequency attached by ClinVar (database versions not stated): TOPMed below 0.00001.
gnomAD v4.1: 2 of 1,612,906 alleles (0.00012%); highest among the groups gnomAD compares: Non-Finnish European, 0.00017%; no homozygotes.

Submissions (4):

Labcorp Genetics (formerly Invitae), Labcorp
Classification: Uncertain significance for Hereditary nonpolyposis colorectal neoplasms. Last evaluated: 2025-08-18. Review status: criteria provided, single submitter. Criteria: Invitae Variant Classification Sherloc (09022015). Collection method: clinical testing. Allele origin: germline.
Comment: This sequence change replaces glutamine, which is neutral and polar, with glutamic acid, which is acidic and polar, at codon 375 of the PMS2 protein (p.Gln375Glu). This variant is not present in population databases (gnomAD no frequency). This variant has not been reported in the literature in individuals affected with PMS2-related conditions. ClinVar contains an entry for this variant (Variation ID: 843294). Invitae Evidence Modeling incorporating data from in vitro experimental studies (internal data) indicates that this missense variant is not expected to disrupt PMS2 function with a negative predictive value of 95%. In summary, the available evidence is currently insufficient to determine the role of this variant in disease. Therefore, it has been classified as a Variant of Uncertain Significance.

Color Diagnostics, LLC DBA Color Health
Classification: Uncertain significance for Hereditary cancer-predisposing syndrome. Last evaluated: 2023-08-21. Review status: criteria provided, single submitter. Criteria: ACMG Guidelines, 2015. Collection method: clinical testing. Allele origin: germline.
Comment: This missense variant replaces glutamine with glutamic acid at codon 375 of the PMS2 protein. Computational prediction suggests that this variant may not impact protein structure and function (internally defined REVEL score threshold <= 0.5, PMID: 27666373). To our knowledge, functional studies have not been reported for this variant. This variant has not been reported in individuals affected with PMS2-related disorders in the literature. This variant has not been identified in the general population by the Genome Aggregation Database (gnomAD). The available evidence is insufficient to determine the role of this variant in disease conclusively. Therefore, this variant is classified as a Variant of Uncertain Significance.

Ambry Genetics
Classification: Uncertain significance for Hereditary cancer-predisposing syndrome. Last evaluated: 2022-05-23. Review status: criteria provided, single submitter. Criteria: Ambry Variant Classification Scheme 2023. Collection method: clinical testing. Allele origin: germline.
Comment: The p.Q375E variant (also known as c.1123C>G), located in coding exon 10 of the PMS2 gene, results from a C to G substitution at nucleotide position 1123. The glutamine at codon 375 is replaced by glutamic acid, an amino acid with highly similar properties. This amino acid position is conserved. In addition, the in silico prediction for this alteration is inconclusive. Since supporting evidence is limited at this time, the clinical significance of this alteration remains unclear.

Quest Diagnostics Nichols Institute San Juan Capistrano
Classification: Uncertain significance. Last evaluated: 2021-04-09. Review status: criteria provided, single submitter. Criteria: Quest Diagnostics criteria. Collection method: clinical testing. Allele origin: unknown.

NM_000535.7(PMS2):c.1123C>G (p.Gln375Glu)

Gene: PMS2 (PMS1 homolog 2, mismatch repair system component; minus strand). Cytogenetic location: 7p22.1.
Variant type: single nucleotide variant.
Coding change: c.1123C>G on transcript NM_000535.7 (MANE Select); coding-DNA position 1123, C replaced by G.
Protein change: p.Gln375Glu; replaces glutamine 375 with glutamic acid.
Molecular consequence: missense variant. On other transcripts: non-coding transcript variant (1), intron variant (2).
Genome position (GRCh38, 1-based): chr7:5,989,821, G>C on the plus strand (C>G on the coding strand, the complement: PMS2 is on the minus strand). VCF-style: chr7-5989821-G-C. GRCh37 (hg19) VCF-style: chr7-6029452-G-C.
Other names: c.718C>G, p.Gln240Glu (NM_001322003.2, NM_001322004.2, NM_001322005.2 and 1 more transcripts); c.805C>G, p.Gln269Glu (NM_001322007.2, NM_001322008.2); c.190C>G, p.Gln64Glu (NM_001322011.2, NM_001322012.2); c.550C>G, p.Gln184Glu (NM_001322013.2); c.1123C>G, p.Gln375Glu (NM_001322014.2); c.814C>G, p.Gln272Glu (NM_001322015.2); c.583+2152C>G (NM_001322010.2); c.988+2152C>G (NM_001322006.2); short protein forms Q64E, Q269E, Q272E, Q240E, Q184E, Q375E.
Identifiers: ClinVar variation 843294 (VCV000843294.13), dbSNP rs956005905, ClinGen allele CA153230546.